The following is an entry in ClinVar:

ClinVar aggregate classification (germline): Likely benign (1 of 4 stars; one submission).

Submission:

Women's Health and Genetics/Laboratory Corporation of America, LabCorp
Classification: Likely benign. Last evaluated: 2026-06-17. Review status: criteria provided, single submitter. Criteria: LabCorp Variant Classification Summary - May 2015. Collection method: clinical testing. Allele origin: germline.
Comment: Variant summary: HPS1 c.1532+15G>C alters a nucleotide located at a position not widely known to affect splicing. Consensus agreement among computation tools predict no significant impact on normal splicing. However, these predictions have yet to be confirmed by functional studies. The variant was absent in 251216 control chromosomes. The available data on variant occurrences in the general population are insufficient to allow any conclusion about variant significance. To our knowledge, no occurrence of c.1532+15G>C in individuals affected with HPS1-related conditions and no experimental evidence demonstrating its impact on protein function have been reported. No submitters have cited clinical-significance assessments for this variant to ClinVar. Based on the evidence outlined above, the variant was classified as likely benign.

NM_000195.5(HPS1):c.1532+15G>C

Gene: HPS1 (HPS1 biogenesis of lysosomal organelles complex 3 subunit 1; minus strand). Cytogenetic location: 10q24.2.
Variant type: single nucleotide variant.
Coding change: c.1532+15G>C on transcript NM_000195.5 (MANE Select); 15 bases into the intron after coding-DNA position 1532, G replaced by C.
Molecular consequence: intron variant.
Genome position (GRCh38, 1-based): chr10:98,423,738, C>G on the plus strand (G>C on the coding strand, the complement: HPS1 is on the minus strand). VCF-style: chr10-98423738-C-G. GRCh37 (hg19) VCF-style: chr10-100183495-C-G.
Other names: c.1163+15G>C (NM_001322483.2, NM_001322484.2); c.1271+15G>C (NM_001322480.2, NM_001322481.2); c.1433+15G>C (NM_001322478.2, NM_001322479.2); c.1532+15G>C (NM_001322476.2, NM_001322477.2); c.1064+15G>C (NM_001322485.2); c.1172+15G>C (NM_001322482.2); c.560+15G>C (NM_001322489.2, NM_001311345.2, NM_001322487.2).
Identifiers: ClinVar variation 4887173 (VCV004887173.1).